The following is an entry in ClinVar:

ClinVar aggregate classification (germline): Pathogenic/Likely pathogenic. Review status: criteria provided, multiple submitters, no conflicts (2 of 4 stars). 5 submissions from 5 submitters: Pathogenic (1); Likely pathogenic (3). 1 of the submissions does not count toward it. Last evaluated 2025-02-25.

Conditions:
SNAP25-related disorder.
Congenital myasthenic syndrome 18. Also called: MYASTHENIC SYNDROME, CONGENITAL, 18, WITH INTELLECTUAL DISABILITY AND ATAXIA. Identifiers: Orphanet 590, MedGen C4225364, MONDO:0014590, OMIM 616330.
Inborn genetic diseases. Identifiers: MedGen C0950123, MeSH D030342.
SNAP25-related developmental delays and epileptic encephalopathies.
Developmental and epileptic encephalopathy. Identifiers: MedGen C5779964, MONDO:0100620.

Submissions (5):

3billion
Classification: Likely pathogenic for SNAP25-related developmental delays and epileptic encephalopathies. Last evaluated: 2025-02-25. Review status: criteria provided, single submitter. Criteria: ACMG Guidelines, 2015. Collection method: clinical testing. Allele origin: germline. Affected: yes.
Comment: The variant is not observed in the gnomAD v4.1.0 dataset. Predicted Consequence/Location: Missense variant. Missense changes are a common disease-causing mechanism. In silico tool predictions suggest damaging effect of the variant on gene or gene product [REVEL: 0.84 (>=0.6, sensitivity 0.68 and specificity 0.92); 3Cnet: 0.99 (> 0.75, sensitivity 0.96 and precision 0.92)]. The same nucleotide change resulting in the same amino acid change has been previously reported as pathogenic/likely pathogenic with strong evidence (ClinVar ID: VCV001285516). Therefore, this variant is classified as Likely pathogenic according to the recommendation of ACMG/AMP guideline.

Ambry Genetics
Classification: Pathogenic for Inborn genetic diseases. Last evaluated: 2024-10-10. Review status: criteria provided, single submitter. Criteria: Ambry Variant Classification Scheme 2023. Collection method: clinical testing. Allele origin: germline.
Comment: The c.127G>C (p.G43R) alteration is located in exon 4 (coding exon 3) of the SNAP25 gene. This alteration results from a G to C substitution at nucleotide position 127, causing the glycine (G) at amino acid position 43 to be replaced by an arginine (R). This variant was not reported in population-based cohorts in the Genome Aggregation Database (gnomAD). This variant has been determined to be the result of a de novo mutation in multiple individuals with features consistent with SNAP2-related neurodevelopmental disorder (Turner, 2019; Kl&ouml;ckner, 2021). This amino acid position is highly conserved in available vertebrate species. This missense alteration is located in a region that has a low rate of benign missense variation (Lek, 2016; Firth, 2009). SNAP25, as part of the SNARE complex, mediates synaptic neurotransmitter release. A functional study assessing the electrophysiology of primary hippocampal neurons showed this variant resulted in significant SNARE complex instability, mildly impaired evoked release, and increased spontaneous vesicle fusion frequency (Alten, 2021; Uzay, 2023). This alteration is predicted to be deleterious by in silico analysis. Based on the available evidence, this alteration is classified as pathogenic.

Blueprint Genetics
Classification: Likely pathogenic for SNAP25-related disorders. Last evaluated: 2023-06-28. Review status: criteria provided, single submitter. Criteria: ACMG Guidelines, 2015. Collection method: clinical testing. Allele origin: germline. Affected: yes. Observed: 1 variant allele.

Institute of Human Genetics, University of Leipzig Medical Center
Classification: Likely pathogenic for Early-infantile DEE. Last evaluated: 2020-07-15. Review status: criteria provided, single submitter. Criteria: ACMG Guidelines, 2015. Collection method: clinical testing. Allele origin: de novo. Affected: yes.
Comment: This variant was identified as de novo (maternity and paternity confirmed).

OMIM
Classification: Pathogenic for DEVELOPMENTAL AND EPILEPTIC ENCEPHALOPATHY 117. Last evaluated: 2025-05-21. Review status: no assertion criteria provided. Collection method: literature only. Allele origin: germline. Not counted in ClinVar's aggregate classification.

Literature cited by the submitters: PubMed 31785789 (cited by Ambry Genetics); PubMed 33147442 (cited by Ambry Genetics); PubMed 33299146 (cited by 3 submitters); PubMed 37066095 (cited by Ambry Genetics); PubMed 29942082 (cited by OMIM).

NM_130811.4(SNAP25):c.127G>C (p.Gly43Arg)

Gene: SNAP25 (synaptosome associated protein 25; plus strand). Cytogenetic location: 20p12.2.
Variant type: single nucleotide variant.
Coding change: c.127G>C on transcript NM_130811.4 (MANE Select); coding-DNA position 127, G replaced by C.
Protein change: p.Gly43Arg; replaces glycine 43 with arginine.
Molecular consequence: missense variant.
Genome position (GRCh38, 1-based): chr20:10,284,736, G>C. VCF-style: chr20-10284736-G-C. GRCh37 (hg19) VCF-style: chr20-10265384-G-C.
Other names: c.127G>C (NM_003081.3); c.127G>C, p.Gly43Arg (NM_001322902.2, NM_001322903.2, NM_001322904.2 and 7 more transcripts); short protein forms G43R.
Identifiers: ClinVar variation 1285516 (VCV001285516.6), dbSNP rs2123063830, ClinGen allele CA408265453.